The following is an entry in ClinVar:

ClinVar aggregate classification (germline): Conflicting classifications of pathogenicity. Review status: criteria provided, conflicting classifications (1 of 4 stars). 5 submissions from 5 submitters: Uncertain significance (1); Benign (1); Likely benign (3). Last evaluated 2026-01-26.

Conditions:
Hereditary cancer-predisposing syndrome. Also called: Hereditary Cancer Syndrome; Neoplastic Syndromes, Hereditary; Tumor predisposition; Hereditary neoplastic syndrome. Identifiers: Orphanet 140162, MedGen C0027672, MeSH D009386, MONDO:0015356.
BAP1-related tumor predisposition syndrome (TPDS1). Also called: Tumor susceptibility linked to germline BAP1 mutations; BAP1 tumor predisposition syndrome; COMMON Syndrome; TUMOR PREDISPOSITION SYNDROME 1. Identifiers: Orphanet 289539, MedGen C3280492, MONDO:0013692, OMIM 614327.

Allele frequency attached by ClinVar (database versions not stated): ExAC 0.00003; gnomAD exomes 0.00004; TOPMed 0.00006; gnomAD 0.00007 and 0.00008; ESP Exome Variant Server 0.00008.

Submissions (5):

Labcorp Genetics (formerly Invitae), Labcorp
Classification: Likely benign for BAP1-related tumor predisposition syndrome. Last evaluated: 2026-01-26. Review status: criteria provided, single submitter. Criteria: Invitae Variant Classification Sherloc (09022015). Collection method: clinical testing. Allele origin: germline.

Myriad Genetics, Inc.
Classification: Benign for BAP1-related tumor predisposition syndrome. Last evaluated: 2024-07-18. Review status: criteria provided, single submitter. Criteria: Myriad Autosomal Dominant, Autosomal Recessive and X-Linked Classification Criteria (2023). Collection method: clinical testing. Allele origin: unknown.
Comment: This variant is considered benign. This variant is a silent/synonymous amino acid change and it is not expected to impact splicing.

GeneDx
Classification: Uncertain significance. Last evaluated: 2023-12-08. Review status: criteria provided, single submitter. Criteria: GeneDx Variant Classification Process June 2021. Collection method: clinical testing. Allele origin: germline. Affected: yes.
Comment: In silico analysis supports that this variant does not alter splicing; Has not been previously published as pathogenic or benign to our knowledge

Ambry Genetics
Classification: Likely benign for Hereditary cancer-predisposing syndrome. Last evaluated: 2018-04-22. Review status: criteria provided, single submitter. Criteria: Ambry Variant Classification Scheme 2023. Collection method: clinical testing. Allele origin: germline.

Color Diagnostics, LLC DBA Color Health
Classification: Likely benign for Hereditary cancer-predisposing syndrome. Last evaluated: 2016-10-07. Review status: criteria provided, single submitter. Criteria: ACMG Guidelines, 2015. Collection method: clinical testing. Allele origin: germline.

NM_004656.4(BAP1):c.2095C>A (p.Arg699=)

Gene: BAP1 (BRCA1 associated deubiquitinase 1; minus strand). Cytogenetic location: 3p21.1.
Variant type: single nucleotide variant.
Coding change: c.2095C>A on transcript NM_004656.4 (MANE Select); coding-DNA position 2095, C replaced by A.
Protein change: p.Arg699=; no amino-acid change (arginine 699 retained).
Molecular consequence: synonymous variant.
Genome position (GRCh38, 1-based): chr3:52,402,383, G>T on the plus strand (C>A on the coding strand, the complement: BAP1 is on the minus strand). VCF-style: chr3-52402383-G-T. GRCh37 (hg19) VCF-style: chr3-52436399-G-T.
Identifiers: ClinVar variation 490842 (VCV000490842.17), dbSNP rs372987719, ClinGen allele CA2436590.